The following is an entry in ClinVar:

NM_000392.5(ABCC2):c.407G>A (p.Trp136Ter)

Gene: ABCC2 (ATP binding cassette subfamily C member 2; plus strand). Cytogenetic location: 10q24.2.
Variant type: single nucleotide variant.
Coding change: c.407G>A on transcript NM_000392.5 (MANE Select); coding-DNA position 407, G replaced by A.
Protein change: p.Trp136Ter; replaces tryptophan 136 with a stop codon.
Molecular consequence: nonsense.
Genome position (GRCh38, 1-based): chr10:99,793,624, G>A. VCF-style: chr10-99793624-G-A. GRCh37 (hg19) VCF-style: chr10-101553381-G-A.
Other names: short protein forms W136*.
Identifiers: ClinVar variation 2841160 (VCV002841160.3), dbSNP rs748801711, ClinGen allele CA212830324.

ClinVar aggregate classification (germline): Pathogenic (1 of 4 stars; one submission).

Allele frequency attached by ClinVar (database versions not stated): gnomAD exomes below 0.00001.
gnomAD v4.1: 2 of 1,614,012 alleles (0.00012%); highest among the groups gnomAD compares: Non-Finnish European, 0.00017%; no homozygotes.

Submission:

Labcorp Genetics (formerly Invitae), Labcorp
Classification: Pathogenic. Last evaluated: 2023-03-08. Review status: criteria provided, single submitter. Criteria: Invitae Variant Classification Sherloc (09022015). Collection method: clinical testing. Allele origin: germline.
Comment: Algorithms developed to predict the effect of sequence changes on RNA splicing suggest that this variant may disrupt the consensus splice site. This variant has not been reported in the literature in individuals affected with ABCC2-related conditions. This variant is not present in population databases (gnomAD no frequency). This sequence change creates a premature translational stop signal (p.Trp136*) in the ABCC2 gene. It is expected to result in an absent or disrupted protein product. Loss-of-function variants in ABCC2 are known to be pathogenic (PMID: 9185779, 16549534, 16952291). For these reasons, this variant has been classified as Pathogenic.

Literature cited by the submitters: PubMed 9185779; PubMed 16549534; PubMed 16952291.